The following is an entry in ClinVar:

NM_003098.3(SNTA1):c.313G>A (p.Gly105Ser)

Gene: SNTA1 (syntrophin alpha 1; minus strand). Cytogenetic location: 20q11.21.
Variant type: single nucleotide variant.
Coding change: c.313G>A on transcript NM_003098.3 (MANE Select); coding-DNA position 313, G replaced by A.
Protein change: p.Gly105Ser; replaces glycine 105 with serine.
Molecular consequence: missense variant.
Genome position (GRCh38, 1-based): chr20:33,439,024, C>T on the plus strand (G>A on the coding strand, the complement: SNTA1 is on the minus strand). VCF-style: chr20-33439024-C-T. GRCh37 (hg19) VCF-style: chr20-32026830-C-T.
Other names: short protein forms G105S.
Identifiers: ClinVar variation 2045987 (VCV002045987.6), dbSNP rs1009302553, ClinGen allele CA313275762.

ClinVar aggregate classification (germline): Uncertain significance. Review status: criteria provided, multiple submitters, no conflicts (2 of 4 stars). 3 submissions from 3 submitters: Uncertain significance (3). Last evaluated 2024-05-12.

Conditions:
Long QT syndrome (LQTS). Identifiers: MedGen C0023976, MeSH D008133, MONDO:0002442. Disease mechanism: loss of function. Inheritance: Various modes of inheritance.
Cardiovascular phenotype. Identifiers: MedGen CN230736.

Allele frequency attached by ClinVar (database versions not stated): gnomAD exomes below 0.00001; TOPMed 0.00001.
gnomAD v4.1: 3 of 1,613,964 alleles (0.00019%); highest among the groups gnomAD compares: East Asian, 0.0022%; no homozygotes.

Submissions (3):

Labcorp Genetics (formerly Invitae), Labcorp
Classification: Uncertain significance for Long QT syndrome. Last evaluated: 2024-05-12. Review status: criteria provided, single submitter. Criteria: Invitae Variant Classification Sherloc (09022015). Collection method: clinical testing. Allele origin: germline.
Comment: This sequence change replaces glycine, which is neutral and non-polar, with serine, which is neutral and polar, at codon 105 of the SNTA1 protein (p.Gly105Ser). The frequency data for this variant in the population databases is considered unreliable, as metrics indicate poor data quality at this position in the gnomAD database. This variant has not been reported in the literature in individuals affected with SNTA1-related conditions. ClinVar contains an entry for this variant (Variation ID: 2045987). An algorithm developed to predict the effect of missense changes on protein structure and function (PolyPhen-2) suggests that this variant is likely to be disruptive. In summary, the available evidence is currently insufficient to determine the role of this variant in disease. Therefore, it has been classified as a Variant of Uncertain Significance.

GeneDx
Classification: Uncertain significance. Last evaluated: 2024-02-22. Review status: criteria provided, single submitter. Criteria: GeneDx Variant Classification Process June 2021. Collection method: clinical testing. Allele origin: germline. Affected: yes.
Comment: Has not been previously published as pathogenic or benign to our knowledge; In silico analysis supports that this missense variant has a deleterious effect on protein structure/function; Not observed at significant frequency in large population cohorts (gnomAD)

Ambry Genetics
Classification: Uncertain significance for Cardiovascular phenotype. Last evaluated: 2024-01-31. Review status: criteria provided, single submitter. Criteria: Ambry Variant Classification Scheme 2023. Collection method: clinical testing. Allele origin: germline.
Comment: The p.G105S variant (also known as c.313G>A), located in coding exon 2 of the SNTA1 gene, results from a G to A substitution at nucleotide position 313. The glycine at codon 105 is replaced by serine, an amino acid with similar properties. This amino acid position is highly conserved in available vertebrate species. In addition, this alteration is predicted to be deleterious by in silico analysis. The evidence for this gene-disease relationship is limited; therefore, the clinical significance of this alteration is unclear.